The following is an entry in ClinVar:

ClinVar aggregate classification (germline): Uncertain significance (1 of 4 stars; one submission).

gnomAD v4.1: 1 of 1,611,978 alleles (0.000062%); highest among the groups gnomAD compares: Non-Finnish European, 0.000085%; no homozygotes.

Submission:

Labcorp Genetics (formerly Invitae), Labcorp
Classification: Uncertain significance. Last evaluated: 2025-10-26. Review status: criteria provided, single submitter. Criteria: Invitae Variant Classification Sherloc (09022015). Collection method: clinical testing. Allele origin: germline.
Comment: This sequence change replaces alanine, which is neutral and non-polar, with threonine, which is neutral and polar, at codon 582 of the REPS1 protein (p.Ala582Thr). This variant is not present in population databases (gnomAD no frequency). This variant has not been reported in the literature in individuals affected with REPS1-related conditions. Invitae Evidence Modeling of protein sequence and biophysical properties (such as structural, functional, and spatial information, amino acid conservation, physicochemical variation, residue mobility, and thermodynamic stability) indicates that this missense variant is not expected to disrupt REPS1 protein function with a negative predictive value of 80%. In summary, the available evidence is currently insufficient to determine the role of this variant in disease. Therefore, it has been classified as a Variant of Uncertain Significance.

NM_001286611.2(REPS1):c.1744G>A (p.Ala582Thr)

Gene: REPS1 (RALBP1 associated Eps domain containing 1; minus strand). Cytogenetic location: 6q24.1.
Variant type: single nucleotide variant.
Coding change: c.1744G>A on transcript NM_001286611.2 (MANE Select); coding-DNA position 1744, G replaced by A.
Protein change: p.Ala582Thr; replaces alanine 582 with threonine.
Molecular consequence: missense variant.
Genome position (GRCh38, 1-based): chr6:138,914,738, C>T on the plus strand (G>A on the coding strand, the complement: REPS1 is on the minus strand). VCF-style: chr6-138914738-C-T. GRCh37 (hg19) VCF-style: chr6-139235875-C-T.
Other names: c.1663G>A, p.Ala555Thr (NM_001128617.3); c.1471G>A, p.Ala491Thr (NM_001286612.2); c.1741G>A, p.Ala581Thr (NM_031922.5); short protein forms A491T, A555T, A581T, A582T.
Identifiers: ClinVar variation 4812143 (VCV004812143.1).